The following is an entry in ClinVar:

ClinVar aggregate classification (germline): Pathogenic (1 of 4 stars; one submission).

Conditions:
Hypertrophic cardiomyopathy. Also called: HYPERTROPHIC MYOCARDIOPATHY. Identifiers: Orphanet 217569, MedGen C0007194, MeSH D002312, MONDO:0005045, HP:0001639.

Submission:

Labcorp Genetics (formerly Invitae), Labcorp
Classification: Pathogenic for Hypertrophic cardiomyopathy. Last evaluated: 2023-10-13. Review status: criteria provided, single submitter. Criteria: Invitae Variant Classification Sherloc (09022015). Collection method: clinical testing. Allele origin: germline.
Comment: This sequence change creates a premature translational stop signal (p.Tyr340*) in the MYBPC3 gene. It is expected to result in an absent or disrupted protein product. Loss-of-function variants in MYBPC3 are known to be pathogenic (PMID: 19574547). This variant is not present in population databases (gnomAD no frequency). This variant has not been reported in the literature in individuals affected with MYBPC3-related conditions. Algorithms developed to predict the effect of sequence changes on RNA splicing suggest that this variant may disrupt the consensus splice site. For these reasons, this variant has been classified as Pathogenic.

Literature cited by the submitters: PubMed 19574547.

NM_000256.3(MYBPC3):c.1020del (p.Gln339_Tyr340insTer)

Gene: MYBPC3 (myosin binding protein C3; minus strand). Cytogenetic location: 11p11.2.
Variant type: Deletion.
Coding change: c.1020del on transcript NM_000256.3 (MANE Select); coding-DNA position 1020, one base deleted (C; older notation c.1020delC).
Protein change: p.Gln339_Tyr340insTer.
Molecular consequence: nonsense.
Genome position (GRCh38, 1-based): chr11:47,346,277, G deleted on the plus strand (C on the coding strand, the reverse complement: MYBPC3 is on the minus strand). VCF-style (leftmost placement, unchanged base first): chr11-47346276-CG-C. GRCh37 (hg19) VCF-style: chr11-47367827-CG-C.
Identifiers: ClinVar variation 2767904 (VCV002767904.3), dbSNP rs2495770958, ClinGen allele CA2697548548.